The following is an entry in ClinVar:

ClinVar aggregate classification (germline): Uncertain significance (1 of 4 stars; one submission).

Conditions:
Posterior column ataxia-retinitis pigmentosa syndrome (RETSNS). Also called: RETINOPATHY-SENSORY NEUROPATHY SYNDROME. Identifiers: Orphanet 88628, MedGen C1836916, MONDO:0012177, OMIM 609033.

gnomAD v4.1: 1 of 1,613,772 alleles (0.000062%); no homozygotes.

Submission:

MGZ Medical Genetics Center
Classification: Uncertain significance for Posterior column ataxia-retinitis pigmentosa syndrome. Last evaluated: 2022-05-04. Review status: criteria provided, single submitter. Criteria: ACMG Guidelines, 2015. Collection method: clinical testing. Allele origin: germline. Affected: yes. Observed: 1 variant allele.
Comment: ACMG criteria applied: PM2_SUP, PP3

NM_014053.4(FLVCR1):c.641A>G (p.Gln214Arg)

Gene: FLVCR1 (FLVCR choline and heme transporter 1; plus strand). Cytogenetic location: 1q32.3.
Variant type: single nucleotide variant.
Coding change: c.641A>G on transcript NM_014053.4 (MANE Select); coding-DNA position 641, A replaced by G.
Protein change: p.Gln214Arg; replaces glutamine 214 with arginine.
Molecular consequence: missense variant.
Genome position (GRCh38, 1-based): chr1:212,859,093, A>G. VCF-style: chr1-212859093-A-G. GRCh37 (hg19) VCF-style: chr1-213032435-A-G.
Other names: short protein forms Q214R.
Identifiers: ClinVar variation 1709617 (VCV001709617.2), dbSNP rs2464388298, ClinGen allele CA344797319.
Genomic context (GRCh38, chr1:212,859,093, plus strand): 5'-GTGTGCAGCAGCATCTCTTCTGGGTCACCATGTTGGGCCAGTGCTTGTGCTCGGTGGCCC[A>G]GGTGTTCATCCTGGGCTTGCCCTCCCGCATCGCCTCAGTGTGGTTTGGGCCCAAAGAGGT-3'
Protein context (NP_054772.1, residues 204-224): MLGQCLCSVA[Gln214Arg]VFILGLPSRI